The following is an entry in ClinVar:

ClinVar aggregate classification (germline): Uncertain significance. Review status: criteria provided, multiple submitters, no conflicts (2 of 4 stars). 2 submissions from 2 submitters: Uncertain significance (2). Last evaluated 2025-10-02.

Allele frequency attached by ClinVar (database versions not stated): ExAC 0.00001; gnomAD exomes 0.00001; TOPMed 0.00001.
gnomAD v4.1: 12 of 1,614,094 alleles (0.00074%); highest among the groups gnomAD compares: Non-Finnish European, 0.001%; no homozygotes.

Submissions (2):

Labcorp Genetics (formerly Invitae), Labcorp
Classification: Uncertain significance. Last evaluated: 2025-10-02. Review status: criteria provided, single submitter. Criteria: Invitae Variant Classification Sherloc (09022015). Collection method: clinical testing. Allele origin: germline.
Comment: This sequence change replaces glutamic acid, which is acidic and polar, with lysine, which is basic and polar, at codon 936 of the MYH3 protein (p.Glu936Lys). This variant is present in population databases (rs766008807, gnomAD 0.003%). This variant has not been reported in the literature in individuals affected with MYH3-related conditions. ClinVar contains an entry for this variant (Variation ID: 1304318). Invitae Evidence Modeling of protein sequence and biophysical properties (such as structural, functional, and spatial information, amino acid conservation, physicochemical variation, residue mobility, and thermodynamic stability) indicates that this missense variant is not expected to disrupt MYH3 protein function with a negative predictive value of 95%. In summary, the available evidence is currently insufficient to determine the role of this variant in disease. Therefore, it has been classified as a Variant of Uncertain Significance.

GeneDx
Classification: Uncertain significance. Last evaluated: 2020-06-29. Review status: criteria provided, single submitter. Criteria: GeneDx Variant Classification Process June 2021. Collection method: clinical testing. Allele origin: germline. Affected: yes.
Comment: Not observed at a significant frequency in large population cohorts (Lek et al., 2016); In silico analysis supports that this missense variant has a deleterious effect on protein structure/function; Has not been previously published as pathogenic or benign to our knowledge

NM_002470.4(MYH3):c.2806G>A (p.Glu936Lys)

Gene: MYH3 (myosin heavy chain 3; minus strand). Cytogenetic location: 17p13.1.
Variant type: single nucleotide variant.
Coding change: c.2806G>A on transcript NM_002470.4 (MANE Select); coding-DNA position 2806, G replaced by A.
Protein change: p.Glu936Lys; replaces glutamic acid 936 with lysine.
Molecular consequence: missense variant.
Genome position (GRCh38, 1-based): chr17:10,639,679, C>T on the plus strand (G>A on the coding strand, the complement: MYH3 is on the minus strand). VCF-style: chr17-10639679-C-T. GRCh37 (hg19) VCF-style: chr17-10542996-C-T.
Other names: short protein forms E936K.
Identifiers: ClinVar variation 1304318 (VCV001304318.9), dbSNP rs766008807, ClinGen allele CA8392674.
Genomic context (GRCh38, chr17:10,639,679, plus strand): 5'-CAATGTCTTTCTTGAGCTCTGAGCATTCATCCTCCAGTTTCCTCTTCTTGGCCGTCAGCT[C>T]AGCATTGATCTCCTCCTCATCTTCAGCTCTCTCTGTCACCTCCTTGATCTTGGCCTCGAG-3'
Protein context (NP_002461.2, residues 926-946): RAEDEEEINA[Glu936Lys]LTAKKRKLED